The following is an entry in ClinVar:

ClinVar aggregate classification (germline): Uncertain significance (1 of 4 stars; one submission).

Conditions:
Premature ovarian insufficiency (POF). Also called: Premature ovarian failure. Identifiers: MedGen C4303540, HP:0008209.

Allele frequency attached by ClinVar (database versions not stated): TOPMed 0.00008; ExAC 0.00013; ESP Exome Variant Server 0.00016; gnomAD exomes 0.00006 and 0.00009.
gnomAD v4.1: 141 of 1,609,154 alleles (0.0088%); highest among the groups gnomAD compares: Middle Eastern, 0.099%; 1 homozygote.

Submission:

Lupski Lab, Baylor-Hopkins CMG, Baylor College of Medicine
Classification: Uncertain significance for Primary Ovarian Insufficiency. Last evaluated: 2019-04-22. Review status: criteria provided, single submitter. Criteria: Jolly et al. (J Clin Endocrinol Metab. 2019). Collection method: research. Allele origin: inherited, unknown. Inheritance: Autosomal recessive inheritance. Affected: yes and no. Observed: 5 variant alleles, 3 heterozygotes, 2 homozygotes. Clinical features observed: Hypergonadotropic hypogonadism (HP:0000815), Webbed neck (HP:0000465).

NM_207421.4(PADI6):c.519G>C (p.Glu173Asp)

Gene: PADI6 (peptidyl arginine deiminase 6; plus strand). Cytogenetic location: 1p36.13.
Variant type: single nucleotide variant.
Coding change: c.519G>C on transcript NM_207421.4 (MANE Select); coding-DNA position 519, G replaced by C.
Protein change: p.Glu173Asp; replaces glutamic acid 173 with aspartic acid.
Molecular consequence: missense variant.
Genome position (GRCh38, 1-based): chr1:17,381,130, G>C. VCF-style: chr1-17381130-G-C. GRCh37 (hg19) VCF-style: chr1-17707625-G-C.
Other names: short protein forms E173D.
Identifiers: ClinVar variation 812130 (VCV000812130.1), dbSNP rs375717303, ClinGen allele CA641387.